The following is an entry in ClinVar:

ClinVar aggregate classification (germline): Likely benign. Review status: criteria provided, multiple submitters, no conflicts (2 of 4 stars). 2 submissions from 2 submitters: Likely benign (2). Last evaluated 2024-07-20.

Conditions:
Multiple endocrine neoplasia, type 2 (MEN2). Identifiers: Orphanet 653, MedGen C4048306, MONDO:0019003. Disease mechanism: gain of function.

Submissions (2):

All of Us Research Program, National Institutes of Health
Classification: Likely benign for Multiple endocrine neoplasia, type 2. Last evaluated: 2024-07-20. Review status: criteria provided, single submitter. Criteria: ACMG Guidelines, 2015. Collection method: clinical testing. Allele origin: germline. Inheritance: Autosomal dominant inheritance. Observed: 1 variant allele, 1 heterozygote.
Comment: This study involves interpretation of variants in research participants for the purpose of population health screening. Participant phenotype was not available at the time of variant classification. Additional details can be found in publication PMID: 35346344, PMCID: PMC8962531

Labcorp Genetics (formerly Invitae), Labcorp
Classification: Likely benign for Multiple endocrine neoplasia, type 2. Last evaluated: 2017-01-15. Review status: criteria provided, single submitter. Criteria: Invitae Variant Classification Sherloc (09022015). Collection method: clinical testing. Allele origin: germline.

NM_020975.6(RET):c.2382C>T (p.Cys794=)

Gene: RET (ret proto-oncogene; plus strand). Cytogenetic location: 10q11.21.
Variant type: single nucleotide variant.
Coding change: c.2382C>T on transcript NM_020975.6 (MANE Select); coding-DNA position 2382, C replaced by T.
Protein change: p.Cys794=; no amino-acid change (cysteine 794 retained).
Molecular consequence: synonymous variant.
Genome position (GRCh38, 1-based): chr10:43,118,470, C>T. VCF-style: chr10-43118470-C-T. GRCh37 (hg19) VCF-style: chr10-43613918-C-T.
Other names: c.2382C>T, p.Cys794= (NM_000323.2, NM_001406743.1, NM_001406744.1 and 4 more transcripts); c.1620C>T, p.Cys540= (NM_001355216.2); c.2253C>T, p.Cys751= (NM_001406761.1, NM_001406762.1, NM_001406764.1); c.2247C>T, p.Cys749= (NM_001406763.1, NM_001406765.1); c.2094C>T, p.Cys698= (NM_001406766.1, NM_001406767.1, NM_001406770.1); c.2118C>T, p.Cys706= (NM_001406768.1); c.1986C>T, p.Cys662= (NM_001406769.1, NM_001406772.1); c.1944C>T, p.Cys648= (NM_001406771.1, NM_001406773.1); and 10 more.
Identifiers: ClinVar variation 477347 (VCV000477347.11), dbSNP rs1554819412, ClinGen allele CA469028207.